The following is an entry in ClinVar:

ClinVar aggregate classification (germline): Uncertain significance (1 of 4 stars; one submission).

gnomAD v4.1: 4 of 1,613,920 alleles (0.00025%); highest among the groups gnomAD compares: Non-Finnish European, 0.00034%; no homozygotes.

Submission:

Ambry Genetics
Classification: Uncertain significance. Last evaluated: 2025-03-30. Review status: criteria provided, single submitter. Criteria: Ambry Variant Classification Scheme 2023. Collection method: clinical testing. Allele origin: germline.
Comment: The p.V1663A variant (also known as c.4988T>C), located in coding exon 21 of the WNK2 gene, results from a T to C substitution at nucleotide position 4988. The valine at codon 1663 is replaced by alanine, an amino acid with similar properties. This amino acid position is conserved. In addition, this alteration is predicted to be tolerated by in silico analysis. Based on the available evidence, the clinical significance of this variant remains unclear.

NM_006648.4(WNK2):c.4988T>C (p.Val1663Ala)

Gene: WNK2 (WNK lysine deficient protein kinase 2; plus strand). Cytogenetic location: 9q22.31.
Variant type: single nucleotide variant.
Coding change: c.4988T>C on transcript NM_006648.4 (MANE Select); coding-DNA position 4988, T replaced by C.
Protein change: p.Val1663Ala; replaces valine 1663 with alanine.
Molecular consequence: missense variant.
Genome position (GRCh38, 1-based): chr9:93,292,359, T>C. VCF-style: chr9-93292359-T-C. GRCh37 (hg19) VCF-style: chr9-96054641-T-C.
Other names: c.5099T>C, p.Val1700Ala (NM_001282394.3); short protein forms V1700A, V1663A.
Identifiers: ClinVar variation 3981768 (VCV003981768.1).